The following is an entry in ClinVar:

ClinVar aggregate classification (germline): Likely benign. Review status: criteria provided, multiple submitters, no conflicts (2 of 4 stars). 3 submissions from 3 submitters: Likely benign (2). 1 of the submissions does not count toward it. Last evaluated 2026-01-18.

Conditions:
NFU1-related disorder. Also called: NFU1-related condition.
Multiple mitochondrial dysfunctions syndrome 1 (MMDS1). Identifiers: Orphanet 401869, MedGen C3276432, MONDO:0011582, OMIM 605711.

Allele frequency attached by ClinVar (database versions not stated): gnomAD 0.00001; TOPMed 0.00002; ExAC 0.00003; gnomAD exomes 0.00004.
gnomAD v4.1: 60 of 1,570,308 alleles (0.0038%); highest among the groups gnomAD compares: Admixed American, 0.0067%; no homozygotes.

Submissions (3):

Labcorp Genetics (formerly Invitae), Labcorp
Classification: Likely benign for Multiple mitochondrial dysfunctions syndrome 1. Last evaluated: 2026-01-18. Review status: criteria provided, single submitter. Criteria: Invitae Variant Classification Sherloc (09022015). Collection method: clinical testing. Allele origin: germline.

Mayo Clinic Laboratories, Mayo Clinic
Classification: Likely benign. Last evaluated: 2024-12-03. Review status: criteria provided, single submitter. Criteria: ACMG Guidelines, 2015. Collection method: clinical testing. Allele origin: germline. Observed: 2 variant alleles.
Comment: BP4, BP7

PreventionGenetics, part of Exact Sciences
Classification: Likely benign for NFU1-related condition. Last evaluated: 2021-03-09. Review status: no assertion criteria provided. Collection method: clinical testing. Allele origin: germline. Not counted in ClinVar's aggregate classification.
Comment: This variant is classified as likely benign based on ACMG/AMP sequence variant interpretation guidelines (Richards et al. 2015 PMID: 25741868, with internal and published modifications).

NM_001002755.4(NFU1):c.166+10C>T

Gene: NFU1 (NFU1 iron-sulfur cluster scaffold; minus strand). Cytogenetic location: 2p13.3.
Variant type: single nucleotide variant.
Coding change: c.166+10C>T on transcript NM_001002755.4 (MANE Select); 10 bases into the intron after coding-DNA position 166, C replaced by T.
Molecular consequence: intron variant.
Genome position (GRCh38, 1-based): chr2:69,431,892, G>A on the plus strand (C>T on the coding strand, the complement: NFU1 is on the minus strand). VCF-style: chr2-69431892-G-A. GRCh37 (hg19) VCF-style: chr2-69659024-G-A.
Other names: p.?; c.166+10C>T (NM_001002755.3); c.94+10C>T (NM_015700.4, NM_001374284.1); c.-122+10C>T (NM_001002756.2).
Identifiers: ClinVar variation 3030399 (VCV003030399.4), dbSNP rs752419061, ClinGen allele CA1694288.